The following is an entry in ClinVar:

NM_002221.4(ITPKB):c.2688C>T (p.Ile896=)

Gene: ITPKB (inositol-trisphosphate 3-kinase B; minus strand). Cytogenetic location: 1q42.12.
Variant type: single nucleotide variant.
Coding change: c.2688C>T on transcript NM_002221.4 (MANE Select); coding-DNA position 2688, C replaced by T.
Protein change: p.Ile896=; no amino-acid change (isoleucine 896 retained).
Molecular consequence: synonymous variant.
Genome position (GRCh38, 1-based): chr1:226,634,824, G>A on the plus strand (C>T on the coding strand, the complement: ITPKB is on the minus strand). VCF-style: chr1-226634824-G-A. GRCh37 (hg19) VCF-style: chr1-226822525-G-A.
Identifiers: ClinVar variation 2639970 (VCV002639970.24), dbSNP rs138300662, ClinGen allele CA1423578.

ClinVar aggregate classification (germline): Likely benign (1 of 4 stars; one submission).

Allele frequency attached by ClinVar (database versions not stated): 1000 Genomes Project 30x 0.00016; 1000 Genomes Project 0.00020; ESP Exome Variant Server 0.00046; TOPMed 0.00046; gnomAD 0.00072; gnomAD exomes 0.00075; ExAC 0.00096.
gnomAD v4.1: 1,201 of 1,613,636 alleles (0.074%); highest among the groups gnomAD compares: Middle Eastern, 0.083%; no homozygotes.

Submission:

CeGaT Center for Human Genetics Tuebingen
Classification: Likely benign. Last evaluated: 2022-07-01. Review status: criteria provided, single submitter. Criteria: CeGaT Center For Human Genetics Tuebingen Variant Classification Criteria Version 2. Collection method: clinical testing. Allele origin: germline. Affected: yes. Observed: 1 variant allele.
Comment: ITPKB: BP4, BP7